The following is an entry in ClinVar:

ClinVar aggregate classification (germline): Likely benign. Review status: criteria provided, single submitter (1 of 4 stars). 2 submissions from 2 submitters: Likely benign (1). 1 of the submissions does not count toward it. Last evaluated 2026-01-25.

Conditions:
ARPC1B-related disorder. Also called: ARPC1B-related condition.

Allele frequency attached by ClinVar (database versions not stated): TOPMed 0.00002; gnomAD 0.00008; gnomAD exomes 0.00014; ExAC 0.00030.
gnomAD v4.1: 218 of 1,613,816 alleles (0.014%); highest among the groups gnomAD compares: South Asian, 0.2%; 2 homozygotes.

Submissions (2):

Labcorp Genetics (formerly Invitae), Labcorp
Classification: Likely benign. Last evaluated: 2026-01-25. Review status: criteria provided, single submitter. Criteria: Invitae Variant Classification Sherloc (09022015). Collection method: clinical testing. Allele origin: germline.

PreventionGenetics, part of Exact Sciences
Classification: Likely benign for ARPC1B-related condition. Last evaluated: 2023-12-11. Review status: no assertion criteria provided. Collection method: clinical testing. Allele origin: germline. Not counted in ClinVar's aggregate classification.
Comment: This variant is classified as likely benign based on ACMG/AMP sequence variant interpretation guidelines (Richards et al. 2015 PMID: 25741868, with internal and published modifications).

NM_005720.4(ARPC1B):c.676G>A (p.Val226Ile)

Gene: ARPC1B (actin related protein 2/3 complex subunit 1B; plus strand). Cytogenetic location: 7q22.1.
Variant type: single nucleotide variant.
Coding change: c.676G>A on transcript NM_005720.4 (MANE Select); coding-DNA position 676, G replaced by A.
Protein change: p.Val226Ile; replaces valine 226 with isoleucine.
Molecular consequence: missense variant.
Genome position (GRCh38, 1-based): chr7:99,391,068, G>A. VCF-style: chr7-99391068-G-A. GRCh37 (hg19) VCF-style: chr7-98988691-G-A.
Other names: c.676G>A (NM_005720.3); short protein forms V226I.
Identifiers: ClinVar variation 1988202 (VCV001988202.6), dbSNP rs756502444, ClinGen allele CA4364084.
Genomic context (GRCh38, chr7:99,391,068, plus strand): 5'-CATGGCGTCTGTTTCTCAGCCAGCGGGAGCCGCGTGGCCTGGGTAAGCCACGACAGCACC[G>A]TCTGCCTGGCTGATGCCGACAAGAAGATGGCGTGAGTCGAGGCCATCCCCAGGGGAGGAG-3'
Protein context (NP_005711.1, residues 216-236): RVAWVSHDST[Val226Ile]CLADADKKMA